The following is an entry in ClinVar:

NM_001127222.2(CACNA1A):c.3989+13G>T

Genes: CACNA1A (calcium voltage-gated channel subunit alpha1 A; minus strand), LOC126862865 (CDK7 strongly-dependent group 2 enhancer GRCh37_chr19:13385818-13387017; plus strand). Cytogenetic location: 19p13.13.
Variant type: single nucleotide variant.
Coding change: c.3989+13G>T on transcript NM_001127222.2 (MANE Select); 13 bases into the intron after coding-DNA position 3989, G replaced by T.
Molecular consequence: intron variant.
Genome position (GRCh38, 1-based): chr19:13,275,837, C>A on the plus strand (G>T on the coding strand, the complement: CACNA1A is on the minus strand). VCF-style: chr19-13275837-C-A. GRCh37 (hg19) VCF-style: chr19-13386651-C-A.
Other names: c.3992+13G>T (NM_001127221.2, NM_001174080.2); c.4001+13G>T (NM_000068.4, NM_023035.3).
Identifiers: ClinVar variation 384614 (VCV000384614.9), dbSNP rs373480312, ClinGen allele CA9240135.

ClinVar aggregate classification (germline): Benign. Review status: criteria provided, multiple submitters, no conflicts (2 of 4 stars). 2 submissions from 2 submitters: Benign (2). Last evaluated 2026-02-02.

Conditions:
Episodic ataxia type 2 (EA2). Also called: ATAXIA, EPISODIC, WITH NYSTAGMUS; ATAXIA, FAMILIAL PAROXYSMAL; CEREBELLAR ATAXIA, PAROXYSMAL, ACETAZOLAMIDE-RESPONSIVE; CEREBELLOPATHY, HEREDITARY PAROXYSMAL; EPISODIC ATAXIA, NYSTAGMUS-ASSOCIATED; ACETAZOLAMIDE-RESPONSIVE HEREDITARY PAROXYSMAL CEREBELLAR ATAXIA. Identifiers: Orphanet 97, MedGen C1720416, MONDO:0007163, OMIM 108500.
Developmental and epileptic encephalopathy, 42 (DEE42A). Also called: Epileptic encephalopathy, early infantile, 42; DEVELOPMENTAL AND EPILEPTIC ENCEPHALOPATHY 42A; EPILEPTIC ENCEPHALOPATHY, EARLY INFANTILE, 42A. Identifiers: MedGen C4310716, MONDO:0014917, OMIM 617106.

Allele frequency attached by ClinVar (database versions not stated): TOPMed 0.00007; 1000 Genomes Project 30x 0.00609; 1000 Genomes Project 0.00679.
gnomAD v4.1: 2,528 of 1,571,860 alleles (0.16%); highest among the groups gnomAD compares: South Asian, 2.7%; 64 homozygotes.

Submissions (2):

Labcorp Genetics (formerly Invitae), Labcorp
Classification: Benign for Developmental and epileptic encephalopathy, 42; Episodic ataxia type 2. Last evaluated: 2026-02-02. Review status: criteria provided, single submitter. Criteria: Invitae Variant Classification Sherloc (09022015). Collection method: clinical testing. Allele origin: germline.

GeneDx
Classification: Benign. Last evaluated: 2016-03-31. Review status: criteria provided, single submitter. Criteria: GeneDx Variant Classification (06012015). Collection method: clinical testing. Allele origin: germline. Affected: yes.
Comment: This variant is considered likely benign or benign based on one or more of the following criteria: it is a conservative change, it occurs at a poorly conserved position in the protein, it is predicted to be benign by multiple in silico algorithms, and/or has population frequency not consistent with disease.